The following is an entry in ClinVar:

NM_004064.5(CDKN1B):c.197A>G (p.Asn66Ser)

Gene: CDKN1B (cyclin dependent kinase inhibitor 1B; plus strand). Cytogenetic location: 12p13.1.
Variant type: single nucleotide variant.
Coding change: c.197A>G on transcript NM_004064.5 (MANE Select); coding-DNA position 197, A replaced by G.
Protein change: p.Asn66Ser; replaces asparagine 66 with serine.
Molecular consequence: missense variant.
Genome position (GRCh38, 1-based): chr12:12,718,036, A>G. VCF-style: chr12-12718036-A-G. GRCh37 (hg19) VCF-style: chr12-12870970-A-G.
Other names: c.197A>G (NM_004064.3); short protein forms N66S.
Identifiers: ClinVar variation 2764346 (VCV002764346.4), dbSNP rs1946490772, ClinGen allele CA383969438.
Genomic context (GRCh38, chr12:12,718,036, plus strand): 5'-AGAAGCACTGCAGAGACATGGAAGAGGCGAGCCAGCGCAAGTGGAATTTCGATTTTCAGA[A>G]TCACAAACCCCTAGAGGGCAAGTACGAGTGGCAAGAGGTGGAGAAGGGCAGCTTGCCCGA-3'
Protein context (NP_004055.1, residues 56-76): SQRKWNFDFQ[Asn66Ser]HKPLEGKYEW

ClinVar aggregate classification (germline): Uncertain significance. Review status: criteria provided, multiple submitters, no conflicts (2 of 4 stars). 2 submissions from 2 submitters: Uncertain significance (2). Last evaluated 2023-11-22.

Conditions:
Hereditary cancer-predisposing syndrome. Also called: Hereditary neoplastic syndrome; Hereditary Cancer Syndrome; Neoplastic Syndromes, Hereditary; Tumor predisposition. Identifiers: Orphanet 140162, MedGen C0027672, MeSH D009386, MONDO:0015356.
Multiple endocrine neoplasia type 4. Also called: MULTIPLE ENDOCRINE NEOPLASIA, TYPE IV. Identifiers: Orphanet 276152, MedGen C1970712, MONDO:0012552, OMIM 610755.

Submissions (2):

Ambry Genetics
Classification: Uncertain significance for Hereditary cancer-predisposing syndrome. Last evaluated: 2023-11-22. Review status: criteria provided, single submitter. Criteria: Ambry Variant Classification Scheme 2023. Collection method: clinical testing. Allele origin: germline.
Comment: The p.N66S variant (also known as c.197A>G), located in coding exon 1 of the CDKN1B gene, results from an A to G substitution at nucleotide position 197. The asparagine at codon 66 is replaced by serine, an amino acid with highly similar properties. This amino acid position is conserved. In addition, this alteration is predicted to be tolerated by in silico analysis. Since supporting evidence is limited at this time, the clinical significance of this alteration remains unclear.

Labcorp Genetics (formerly Invitae), Labcorp
Classification: Uncertain significance for Multiple endocrine neoplasia type 4. Last evaluated: 2023-07-17. Review status: criteria provided, single submitter. Criteria: Invitae Variant Classification Sherloc (09022015). Collection method: clinical testing. Allele origin: germline.
Comment: This variant is not present in population databases (gnomAD no frequency). This sequence change replaces asparagine, which is neutral and polar, with serine, which is neutral and polar, at codon 66 of the CDKN1B protein (p.Asn66Ser). This variant has not been reported in the literature in individuals affected with CDKN1B-related conditions. In summary, the available evidence is currently insufficient to determine the role of this variant in disease. Therefore, it has been classified as a Variant of Uncertain Significance. An algorithm developed to predict the effect of missense changes on protein structure and function (PolyPhen-2) suggests that this variant is likely to be tolerated.